The following is an entry in ClinVar:

ClinVar aggregate classification (germline): Uncertain significance (1 of 4 stars; one submission).

Submission:

ISCA site 15
Classification: Uncertain significance. Last evaluated: 2011-08-12. Review status: criteria provided, single submitter. Criteria: Kaminsky et al. (Genet Med. 2011). Collection method: clinical testing. Allele origin: unknown. Affected: yes. Observed: 1 variant allele.
Comment: Copy number variation identified through the course of routine clinical cytogenomic testing in postnatal populations. Clinical assertions have been curated as described in Kaminsky et al. 2011.

GRCh38/hg38 1q21.3(chr1:153641117-153752390)x3

Genes: CHTOP (chromatin target of PRMT1; plus strand), ILF2 (interleukin enhancer binding factor 2; minus strand), INTS3 (integrator complex subunit 3; plus strand), MIR8083 (microRNA 8083; minus strand), NPR1 (natriuretic peptide receptor 1; plus strand) and 8 more. Cytogenetic location: 1q21.3.
Variant type: copy number gain.
Change: copy number 3 (three copies instead of two) of chr1:153,641,117-153,752,390 (111.3 kb, GRCh38 coordinates, 1-based), cytogenetic band 1q21.3.
Identifiers: ClinVar variation 160920 (VCV000160920.1).